The following is an entry in ClinVar:

NM_012470.4(TNPO3):c.1567A>C (p.Ile523Leu)

Gene: TNPO3 (transportin 3; minus strand). Cytogenetic location: 7q32.1.
Variant type: single nucleotide variant.
Coding change: c.1567A>C on transcript NM_012470.4 (MANE Select); coding-DNA position 1567, A replaced by C.
Protein change: p.Ile523Leu; replaces isoleucine 523 with leucine.
Molecular consequence: missense variant. On other transcripts: non-coding transcript variant (18), intron variant (2).
Genome position (GRCh38, 1-based): chr7:128,986,852, T>G on the plus strand (A>C on the coding strand, the complement: TNPO3 is on the minus strand). VCF-style: chr7-128986852-T-G. GRCh37 (hg19) VCF-style: chr7-128626906-T-G.
Other names: c.1669A>C, p.Ile557Leu (NM_001382216.1); c.1648A>C, p.Ile550Leu (NM_001382217.1); c.1567A>C, p.Ile523Leu (NM_001382218.1, NM_001382220.1); c.1459A>C, p.Ile487Leu (NM_001382219.1); c.1423A>C, p.Ile475Leu (NM_001382221.1); c.1420A>C, p.Ile474Leu (NM_001382222.1); c.1499-2593A>C (NM_001382223.1, NM_001191028.3); short protein forms I475L, I557L, I550L, I474L, I487L, I523L.
Identifiers: ClinVar variation 1515435 (VCV001515435.6), dbSNP rs1385684585, ClinGen allele CA369226419.

ClinVar aggregate classification (germline): Uncertain significance (1 of 4 stars; one submission).

Conditions:
Autosomal dominant limb-girdle muscular dystrophy type 1F (LGMDD2). Also called: Limb-girdle muscular dystrophy, type 1F; MUSCULAR DYSTROPHY, LIMB-GIRDLE, AUTOSOMAL DOMINANT 2. Identifiers: Orphanet 55595, MedGen C1842062, MONDO:0012034, OMIM 608423.

Allele frequency attached by ClinVar (database versions not stated): gnomAD exomes 0.00001.
gnomAD v4.1: 2 of 1,614,066 alleles (0.00012%); highest among the groups gnomAD compares: Admixed American, 0.0033%; no homozygotes.

Submission:

Labcorp Genetics (formerly Invitae), Labcorp
Classification: Uncertain significance for Autosomal dominant limb-girdle muscular dystrophy type 1F. Last evaluated: 2023-08-04. Review status: criteria provided, single submitter. Criteria: Invitae Variant Classification Sherloc (09022015). Collection method: clinical testing. Allele origin: germline.
Comment: In summary, the available evidence is currently insufficient to determine the role of this variant in disease. Therefore, it has been classified as a Variant of Uncertain Significance. Advanced modeling of protein sequence and biophysical properties (such as structural, functional, and spatial information, amino acid conservation, physicochemical variation, residue mobility, and thermodynamic stability) performed at Invitae indicates that this missense variant is not expected to disrupt TNPO3 protein function. ClinVar contains an entry for this variant (Variation ID: 1515435). This variant has not been reported in the literature in individuals affected with TNPO3-related conditions. This variant is present in population databases (no rsID available, gnomAD 0.006%). This sequence change replaces isoleucine, which is neutral and non-polar, with leucine, which is neutral and non-polar, at codon 523 of the TNPO3 protein (p.Ile523Leu).